The following is an entry in ClinVar:

ClinVar aggregate classification (germline): Conflicting classifications of pathogenicity. Review status: criteria provided, conflicting classifications (1 of 4 stars). 7 submissions from 7 submitters: Pathogenic (1); Likely pathogenic (1); Uncertain significance (5). Last evaluated 2026-09-02.

Conditions:
NPHS1-related disorder. Also called: NPHS1-related condition.
Finnish congenital nephrotic syndrome (NPHS1). Also called: NEPHROTIC SYNDROME, TYPE 1. Identifiers: Orphanet 839, MedGen C0403399, MONDO:0009732, OMIM 256300.

Allele frequency attached by ClinVar (database versions not stated): gnomAD exomes below 0.00001.
gnomAD v4.1: 2 of 1,614,206 alleles (0.00012%); highest among the groups gnomAD compares: Admixed American, 0.0017%; no homozygotes.

Submissions (7):

PreventionGenetics, part of Exact Sciences
Classification: Pathogenic for NPHS1-related condition. Last evaluated: 2026-09-02. Review status: criteria provided, single submitter. Criteria: ACMG Guidelines, 2015. Collection method: clinical testing. Allele origin: germline.
Comment: The NPHS1 c.3024A>G variant is not predicted to result in an amino acid change (p.=). This variant is predicted to alter splicing based on available splicing prediction programs (Alamut Visual Plus v1.13; SpliceAI, Jaganathan et al. 2019. PubMed ID: 30661751). In addition, we have found this variant in the homozygous state in more than five unrelated individuals of Latino descent with nephrotic syndrome at PreventionGenetics (internal data), suggesting that this variant could be a founder mutation in the Latino population. This variant has not been reported in a large population database (gnomAD), indicating this variant is rare. This variant is interpreted as pathogenic.

Labcorp Genetics (formerly Invitae), Labcorp
Classification: Uncertain significance. Last evaluated: 2024-11-03. Review status: criteria provided, single submitter. Criteria: Invitae Variant Classification Sherloc (09022015). Collection method: clinical testing. Allele origin: germline.
Comment: This sequence change affects codon 1008 of the NPHS1 mRNA. It is a 'silent' change, meaning that it does not change the encoded amino acid sequence of the NPHS1 protein. This variant is not present in population databases (gnomAD no frequency). This variant has been observed in individuals with nephrotic syndrome (PMID: 34900253; internal data). ClinVar contains an entry for this variant (Variation ID: 429811). Algorithms developed to predict the effect of sequence changes on RNA splicing suggest that this variant may disrupt the consensus splice site. In summary, the available evidence is currently insufficient to determine the role of this variant in disease. Therefore, it has been classified as a Variant of Uncertain Significance.

GeneDx
Classification: Likely pathogenic. Last evaluated: 2024-07-18. Review status: criteria provided, single submitter. Criteria: GeneDx Variant Classification Process June 2021. Collection method: clinical testing. Allele origin: germline. Affected: yes.
Comment: In silico analysis supports a deleterious effect on splicing; Not observed at significant frequency in large population cohorts (gnomAD); This variant is associated with the following publications: (PMID: 34900253)

Mayo Clinic Laboratories, Mayo Clinic
Classification: Uncertain significance. Last evaluated: 2023-05-24. Review status: criteria provided, single submitter. Criteria: ACMG Guidelines, 2015. Collection method: clinical testing. Allele origin: germline. Observed: 1 variant allele.
Comment: PP3, PM2_supporting

Fulgent Genetics
Classification: Uncertain significance for Finnish congenital nephrotic syndrome. Last evaluated: 2021-09-02. Review status: criteria provided, single submitter. Criteria: ACMG Guidelines, 2015. Collection method: clinical testing. Allele origin: unknown.

Vasylyeva lab, Texas Tech University Health Sciences Center
Classification: Uncertain significance for Finnish congenital nephrotic syndrome. Last evaluated: 2021-09-02. Review status: criteria provided, single submitter. Criteria: ACMG Guidelines, 2015. Collection method: clinical testing. Allele origin: unknown. Affected: yes.

Athena Diagnostics
Classification: Uncertain significance. Last evaluated: 2018-05-08. Review status: criteria provided, single submitter. Criteria: Athena Diagnostics Criteria. Collection method: clinical testing. Allele origin: germline.

Literature cited by the submitters: PubMed 34900253 (cited by 3 submitters).

NM_004646.4(NPHS1):c.3024A>G (p.Arg1008=)

Gene: NPHS1 (NPHS1 adhesion molecule, nephrin; minus strand). Cytogenetic location: 19q13.12.
Variant type: single nucleotide variant.
Coding change: c.3024A>G on transcript NM_004646.4 (MANE Select); coding-DNA position 3024, A replaced by G.
Protein change: p.Arg1008=; no amino-acid change (arginine 1008 retained).
Molecular consequence: synonymous variant.
Genome position (GRCh38, 1-based): chr19:35,839,322, T>C on the plus strand (A>G on the coding strand, the complement: NPHS1 is on the minus strand). VCF-style: chr19-35839322-T-C. GRCh37 (hg19) VCF-style: chr19-36330224-T-C.
Other names: p.Arg1008=.
Identifiers: ClinVar variation 429811 (VCV000429811.10), dbSNP rs1131691606, ClinGen allele CA507314001.